The following is an entry in ClinVar:

NM_080826.2(ISM1):c.22CTG[4] (p.Leu12del)

Genes: ISM1 (isthmin 1; plus strand), TASP1 (taspase 1; minus strand). Cytogenetic location: 20p12.1.
Variant type: Microsatellite.
Coding change: c.22CTG[4] on transcript NM_080826.2 (MANE Select); four copies in a row of the 3-base unit CTG starting at c.22; the reference has five copies in a row; one copy, 3 bases deleted.
Protein change: p.Leu12del; deletes leucine 12.
Genome position (GRCh38, 1-based): chr20:13,221,810-13,221,812, CTG deleted; deleting any 3 consecutive bases within chr20:13,221,797-13,221,812 gives the same sequence; the position shown is the placement nearest the transcript's 3' end. VCF-style (leftmost placement, unchanged base first): chr20-13221796-AGCT-A. GRCh37 (hg19) VCF-style: chr20-13202443-AGCT-A.
Other names: short protein forms L12del.
Identifiers: ClinVar variation 3037929 (VCV003037929.2), dbSNP rs764390050, ClinGen allele CA9766131.
Genomic context (GRCh38, chr20:13,221,796, plus strand): 5'-CGGCCGCCGCGCCGGGTCCTAAAGCCGCGCGTCTCAAAAGGATGGTGCGCCTGGCGGCCG[AGCT>A]GCTGCTGCTGCTGGGGCTGCTGCTGCTCACGCTGCACATCACCGTGCTGCGCGGCTCGGG-3'

ClinVar aggregate classification (germline): Likely benign (0 of 4 stars; one submission).

Conditions:
ISM1-related disorder. Also called: ISM1-related condition.

Submission:

PreventionGenetics, part of Exact Sciences
Classification: Likely benign for ISM1-related condition. Last evaluated: 2022-02-14. Review status: no assertion criteria provided. Collection method: clinical testing. Allele origin: germline.
Comment: This variant is classified as likely benign based on ACMG/AMP sequence variant interpretation guidelines (Richards et al. 2015 PMID: 25741868, with internal and published modifications).